The following is an entry in ClinVar:

NM_001844.5(COL2A1):c.1393G>T (p.Gly465Cys)

Gene: COL2A1 (collagen type II alpha 1 chain; minus strand). Cytogenetic location: 12q13.11.
Variant type: single nucleotide variant.
Coding change: c.1393G>T on transcript NM_001844.5 (MANE Select); coding-DNA position 1393, G replaced by T.
Protein change: p.Gly465Cys; replaces glycine 465 with cysteine.
Molecular consequence: missense variant.
Genome position (GRCh38, 1-based): chr12:47,986,861, C>A on the plus strand (G>T on the coding strand, the complement: COL2A1 is on the minus strand). VCF-style: chr12-47986861-C-A. GRCh37 (hg19) VCF-style: chr12-48380644-C-A.
Other names: c.1186G>T, p.Gly396Cys (NM_033150.3); short protein forms G396C, G465C.
Identifiers: ClinVar variation 5019371 (VCV005019371.2).

ClinVar aggregate classification (germline): Pathogenic (1 of 4 stars; one submission).

Conditions:
Spondyloepiphyseal dysplasia congenita (SEDC). Also called: SED CONGENITA; SPONDYLOEPIPHYSEAL DYSPLASIA, CONGENITAL TYPE. Identifiers: Orphanet 94068, MedGen C2745959, MONDO:0008471, OMIM 183900.
Achondrogenesis type II (ACG2). Also called: ACHONDROGENESIS, LANGER-SALDINO TYPE; CHONDROGENESIS IMPERFECTA. Identifiers: Orphanet 932, Orphanet 93296, MedGen C0220685, MONDO:0008702, OMIM 200610.
Spondyloepiphyseal dysplasia, Stanescu type. Also called: SED, STANESCU TYPE; SPONDYLOEPIMETAPHYSEAL DYSPLASIA, STANESCU TYPE. Identifiers: Orphanet 459051, MedGen C4225273, MONDO:0014701, OMIM 616583.
Stickler syndrome, type I, nonsyndromic ocular. Also called: STICKLER SYNDROME, TYPE I, PREDOMINANTLY OCULAR; STICKLER SYNDROME, ATYPICAL. Identifiers: MedGen C1836080, MONDO:0012287, OMIM 609508.
Spondylometaphyseal dysplasia, Schmidt type (SMDALG). Also called: SPONDYLOMETAPHYSEAL DYSPLASIA WITH SEVERE GENU VALGUM; SPONDYLOMETAPHYSEAL DYSPLASIA, ALGERIAN TYPE. Identifiers: Orphanet 93316, MedGen C1866688, MONDO:0008478, OMIM 184253.
Avascular necrosis of femoral head, primary, 1 (ANFH1). Also called: Avascular necrosis of femoral head, primary. Identifiers: Orphanet 86820, MedGen C4551562, MONDO:0054550, OMIM 608805.
Vitreoretinopathy with phalangeal epiphyseal dysplasia (VPED). Identifiers: MedGen C1852989, MONDO:0031001, OMIM 619248.
Spondyloepiphyseal dysplasia with metatarsal shortening. Also called: CZECH DYSPLASIA, METATARSAL TYPE; SPONDYLOEPIPHYSEAL DYSPLASIA WITH PRECOCIOUS OSTEOARTHRITIS; Pseudorheumatoid dysplasia progressive, with hypoplastic toes. Identifiers: Orphanet 137678, MedGen C1836683, MONDO:0012206, OMIM 609162.
Kniest dysplasia. Identifiers: Orphanet 485, MedGen C0265279, MONDO:0007987, OMIM 156550.
Multiple epiphyseal dysplasia, Beighton type. Identifiers: Orphanet 166011, MedGen C1851536, MONDO:0007562, OMIM 132450.
Spondyloepimetaphyseal dysplasia, Strudwick type (SEMDSTWK). Also called: STRUDWICK SYNDROME; DAPPLED METAPHYSIS SYNDROME. Identifiers: Orphanet 93346, MedGen C0700635, MONDO:0008476, OMIM 184250.
Platyspondylic dysplasia, Torrance type (PLSDT). Identifiers: Orphanet 85166, MedGen C1835437, MONDO:0007895, OMIM 151210.
Spondyloperipheral dysplasia. Also called: SPONDYLOPERIPHERAL DYSPLASIA WITH SHORT ULNA; Spondyloperipheral dysplasia-short ulna syndrome. Identifiers: Orphanet 1856, MedGen C0796173, MONDO:0010078, OMIM 271700.
Stickler syndrome type 1 (STL1). Also called: STICKLER SYNDROME, MEMBRANOUS VITREOUS TYPE; STICKLER SYNDROME, VITREOUS TYPE 1; ARTHROOPHTHALMOPATHY, HEREDITARY PROGRESSIVE; COL2A1-Related Stickler Syndrome. Identifiers: Orphanet 828, Orphanet 90653, MedGen C2020284, MONDO:0007160, OMIM 108300.
Namaqualand hip dysplasia (OSCDP). Also called: Mild spondyloepiphyseal dysplasia due to COL2A1 mutation with early-onset osteoarthritis. Identifiers: Orphanet 93279, MedGen C0432214, MONDO:0011496, OMIM 604864.
Legg-Calve-Perthes disease. Also called: Avascular necrosis of the capital femoral epiphysis; PERTHES DISEASE; Osteochondritis deformans; Coxa plana. Identifiers: Orphanet 2380, MedGen C1442965, MONDO:0007885, OMIM 150600, HP:0005743.

Submission:

Juno Genomics, Hangzhou Juno Genomics, Inc
Classification: Pathogenic for Spondyloepiphyseal dysplasia congenita; Spondyloepiphyseal dysplasia, Stanescu type; Spondyloperipheral dysplasia; Stickler syndrome type 1; Stickler syndrome, type I, nonsyndromic ocular; Spondylometaphyseal dysplasia, Schmidt type; Multiple epiphyseal dysplasia, Beighton type; Vitreoretinopathy with phalangeal epiphyseal dysplasia; Achondrogenesis type II; Avascular necrosis of femoral head, primary, 1; Spondyloepimetaphyseal dysplasia, Strudwick type; Spondyloepiphyseal dysplasia with metatarsal shortening; Kniest dysplasia; Legg-Calve-Perthes disease; Namaqualand hip dysplasia; Platyspondylic dysplasia, Torrance type. Review status: criteria provided, single submitter. Criteria: ACMG Guidelines, 2015. Collection method: clinical testing. Allele origin: germline.
Comment: Absent from controls (or at extremely low frequency if recessive) in Genome Aggregation Database.;Missense variant in a gene that has a low rate of benign missense variation.;Multiple lines of computational evidence support a deleterious effect on the gene or gene product.;De novo (both maternity and paternity confirmed) in a patient with the disease and no family history.;Located in a mutational hot spot and/or critical and well-established functional domain without benign variation.